The following is an entry in ClinVar:

NM_017547.4(FOXRED1):c.1139A>G (p.His380Arg)

Gene: FOXRED1 (FAD dependent oxidoreductase domain containing 1; plus strand). Cytogenetic location: 11q24.2.
Variant type: single nucleotide variant.
Coding change: c.1139A>G on transcript NM_017547.4 (MANE Select); coding-DNA position 1139, A replaced by G.
Protein change: p.His380Arg; replaces histidine 380 with arginine.
Molecular consequence: missense variant. On other transcripts: non-coding transcript variant (2).
Genome position (GRCh38, 1-based): chr11:126,277,108, A>G. VCF-style: chr11-126277108-A-G. GRCh37 (hg19) VCF-style: chr11-126147003-A-G.
Other names: p.H380R:CAT>CGT; short protein forms H380R.
Identifiers: ClinVar variation 137402 (VCV000137402.22), dbSNP rs7116126, ClinGen allele CA290964.
Genomic context (GRCh38, chr11:126,277,108, plus strand): 5'-GTTGTCCCCACCTCTCACTCCAGCAGGAAGAACCGGACCCGGCGAACCTGGAAGTGGACC[A>G]TGATTTCTTCCAGGACAAGGTGTGGCCCCATTTGGCCCTGAGGGTCCCAGCTTTTGAGAC-3'
Protein context (NP_060017.1, residues 370-390): EPDPANLEVD[His380Arg]DFFQDKVWPH

ClinVar aggregate classification (germline): Conflicting classifications of pathogenicity. Review status: criteria provided, conflicting classifications (1 of 4 stars). 5 submissions from 5 submitters: Uncertain significance (1); Benign (2); Likely benign (1). 1 of the submissions does not count toward it. Last evaluated 2026-01-28.

Conditions:
Mitochondrial complex I deficiency, nuclear type 1. Also called: NADH-COENZYME Q REDUCTASE DEFICIENCY; MITOCHONDRIAL NADH DEHYDROGENASE COMPONENT OF COMPLEX I, DEFICIENCY OF. Identifiers: MedGen C6022305, MONDO:0100224, OMIM 252010.

Allele frequency attached by ClinVar (database versions not stated): gnomAD exomes 0.00114 and 0.00252; ExAC 0.00280; gnomAD 0.00876 and 0.00931; 1000 Genomes Project 0.00879; 1000 Genomes Project 30x 0.00953; TOPMed 0.00987; ESP Exome Variant Server 0.01031.
gnomAD v4.1: 3,084 of 1,613,608 alleles (0.19%); highest among the groups gnomAD compares: African/African-American, 2.9%; 31 homozygotes.

Submissions (5):

Labcorp Genetics (formerly Invitae), Labcorp
Classification: Benign. Last evaluated: 2026-01-28. Review status: criteria provided, single submitter. Criteria: Invitae Variant Classification Sherloc (09022015). Collection method: clinical testing. Allele origin: germline.

Blueprint Genetics
Classification: Likely benign. Last evaluated: 2024-11-27. Review status: criteria provided, single submitter. Criteria: ACMG Guidelines, 2015. Collection method: clinical testing. Allele origin: germline.

Illumina Laboratory Services, Illumina
Classification: Uncertain significance for Mitochondrial complex I deficiency, nuclear type 1. Last evaluated: 2018-01-13. Review status: criteria provided, single submitter. Criteria: ICSL Variant Classification Criteria 13 December 2019. Collection method: clinical testing. Allele origin: germline.

GeneDx
Classification: Benign. Last evaluated: 2013-12-26. Review status: criteria provided, single submitter. Criteria: GeneDx Variant Classification (06012015). Collection method: clinical testing. Allele origin: germline. Affected: yes.
Comment: This variant is considered likely benign or benign based on one or more of the following criteria: it is a conservative change, it occurs at a poorly conserved position in the protein, it is predicted to be benign by multiple in silico algorithms, and/or has population frequency not consistent with disease.

Mayo Clinic Laboratories, Mayo Clinic
Classification: Likely benign. Last evaluated: 2016-03-16. Review status: no assertion criteria provided. Collection method: clinical testing. Allele origin: unknown. Not counted in ClinVar's aggregate classification.